The following is an entry in ClinVar:

NM_152783.5(D2HGDH):c.1528A>G (p.Ile510Val)

Gene: D2HGDH (D-2-hydroxyglutarate dehydrogenase; plus strand). Cytogenetic location: 2q37.3.
Variant type: single nucleotide variant.
Coding change: c.1528A>G on transcript NM_152783.5 (MANE Select); coding-DNA position 1528, A replaced by G.
Protein change: p.Ile510Val; replaces isoleucine 510 with valine.
Molecular consequence: missense variant. On other transcripts: non-coding transcript variant (1).
Genome position (GRCh38, 1-based): chr2:241,767,931, A>G. VCF-style: chr2-241767931-A-G. GRCh37 (hg19) VCF-style: chr2-242707346-A-G.
Other names: c.1126A>G, p.Ile376Val (NM_001287249.2); c.967A>G, p.Ile323Val (NM_001352824.2); short protein forms I323V, I376V, I510V.
Identifiers: ClinVar variation 973466 (VCV000973466.12), dbSNP rs749622678, ClinGen allele CA2222254.

ClinVar aggregate classification (germline): Uncertain significance. Review status: criteria provided, multiple submitters, no conflicts (2 of 4 stars). 2 submissions from 2 submitters: Uncertain significance (2). Last evaluated 2022-08-23.

Conditions:
D-2-hydroxyglutaric aciduria 1 (D2HGA1). Identifiers: Orphanet 79315, MedGen C3152055, MONDO:0024554, OMIM 600721.

Allele frequency attached by ClinVar (database versions not stated): gnomAD exomes 0.00002 and 0.00004; gnomAD 0.00003 and 0.00005; TOPMed 0.00005; ExAC 0.00008.
gnomAD v4.1: 40 of 1,600,176 alleles (0.0025%); highest among the groups gnomAD compares: Admixed American, 0.01%; no homozygotes.

Submissions (2):

Labcorp Genetics (formerly Invitae), Labcorp
Classification: Uncertain significance for D-2-hydroxyglutaric aciduria 1. Last evaluated: 2022-08-23. Review status: criteria provided, single submitter. Criteria: Invitae Variant Classification Sherloc (09022015). Collection method: clinical testing. Allele origin: germline.
Comment: This variant has not been reported in the literature in individuals affected with D2HGDH-related conditions. This variant is present in population databases (rs749622678, gnomAD 0.02%). This sequence change replaces isoleucine, which is neutral and non-polar, with valine, which is neutral and non-polar, at codon 510 of the D2HGDH protein (p.Ile510Val). ClinVar contains an entry for this variant (Variation ID: 973466). In summary, the available evidence is currently insufficient to determine the role of this variant in disease. Therefore, it has been classified as a Variant of Uncertain Significance. Algorithms developed to predict the effect of missense changes on protein structure and function are either unavailable or do not agree on the potential impact of this missense change (SIFT: "Deleterious"; PolyPhen-2: "Possibly Damaging"; Align-GVGD: "Class C0").

Elsea Laboratory, Baylor College of Medicine
Classification: Uncertain significance for D-2-hydroxyglutaric aciduria 1. Last evaluated: 2020-04-01. Review status: criteria provided, single submitter. Criteria: ACMG Guidelines, 2015. Collection method: clinical testing. Allele origin: germline. Affected: no.